The following is an entry in ClinVar:

NM_004369.4(COL6A3):c.4432G>A (p.Val1478Met)

Gene: COL6A3 (collagen type VI alpha 3 chain; minus strand). Cytogenetic location: 2q37.3.
Variant type: single nucleotide variant.
Coding change: c.4432G>A on transcript NM_004369.4 (MANE Select); coding-DNA position 4432, G replaced by A.
Protein change: p.Val1478Met; replaces valine 1478 with methionine.
Molecular consequence: missense variant.
Genome position (GRCh38, 1-based): chr2:237,369,031, C>T on the plus strand (G>A on the coding strand, the complement: COL6A3 is on the minus strand). VCF-style: chr2-237369031-C-T. GRCh37 (hg19) VCF-style: chr2-238277674-C-T.
Other names: c.2611G>A, p.Val871Met (NM_057166.5); c.3814G>A, p.Val1272Met (NM_057167.4); short protein forms V1478M, V1272M, V871M.
Identifiers: ClinVar variation 451667 (VCV000451667.9), dbSNP rs374493032, ClinGen allele CA2188895.

ClinVar aggregate classification (germline): Conflicting classifications of pathogenicity. Review status: criteria provided, conflicting classifications (1 of 4 stars). 4 submissions from 4 submitters: Uncertain significance (3); Likely benign (1). Last evaluated 2026-01-22.

Conditions:
Inborn genetic diseases. Identifiers: MedGen C0950123, MeSH D030342.
Bethlem myopathy 1A. Also called: MYOPATHY, BENIGN CONGENITAL, WITH CONTRACTURES; Bethlem myopathy 1; Bethlem Muscular Dystrophy. Identifiers: Orphanet 610, MedGen CN029274, MONDO:0024530, OMIM 158810.

Allele frequency attached by ClinVar (database versions not stated): gnomAD exomes 0.00001 and 0.00002; ExAC 0.00002; TOPMed 0.00003; gnomAD 0.00004; ESP Exome Variant Server 0.00008.
gnomAD v4.1: 26 of 1,614,066 alleles (0.0016%); highest among the groups gnomAD compares: Admixed American, 0.0067%; no homozygotes.

Submissions (4):

Labcorp Genetics (formerly Invitae), Labcorp
Classification: Likely benign for Bethlem myopathy 1A. Last evaluated: 2026-01-22. Review status: criteria provided, single submitter. Criteria: Invitae Variant Classification Sherloc (09022015). Collection method: clinical testing. Allele origin: germline.

Ambry Genetics
Classification: Uncertain significance for Inborn genetic diseases. Last evaluated: 2025-12-30. Review status: criteria provided, single submitter. Criteria: Ambry Variant Classification Scheme 2023. Collection method: clinical testing. Allele origin: germline.
Comment: The c.4432G>A (p.V1478M) alteration is located in exon 10 (coding exon 9) of the COL6A3 gene. This alteration results from a G to A substitution at nucleotide position 4432, causing the valine (V) at amino acid position 1478 to be replaced by a methionine (M). Based on data from gnomAD, the A allele has an overall frequency of 0.002% (4/251262) total alleles studied. The highest observed frequency was 0.005% (1/18394) of East Asian alleles. Based on insufficient or conflicting evidence, the clinical significance of this alteration remains unclear.

Revvity Omics, Revvity
Classification: Uncertain significance. Last evaluated: 2025-03-28. Review status: criteria provided, single submitter. Criteria: ACMG Guidelines, 2015. Collection method: clinical testing. Allele origin: germline.

GeneDx
Classification: Uncertain significance. Last evaluated: 2017-08-29. Review status: criteria provided, single submitter. Criteria: GeneDx Variant Classification (06012015). Collection method: clinical testing. Allele origin: germline. Affected: yes.
Comment: The V1478M variant has not been published as a pathogenic variant, nor has it been reported as a benign variant to our knowledge. The V1478M variant is not observed at a significant frequency in large population cohorts (Lek et al., 2016; 1000 Genomes Consortium et al., 2015; Exome Variant Server). This variant is a conservative amino acid substitution, which is not likely to impact secondary protein structure as these residues share similar properties. This substitution occurs at a position where amino acids with similar properties to Valine are tolerated across species. In silico analysis is inconsistent in its predictions as to whether or not the variant is damaging to the protein structure/function.